The following is an entry in ClinVar:

ClinVar aggregate classification (germline): Uncertain significance (1 of 4 stars; one submission).

Conditions:
Progressive sclerosing poliodystrophy (MTDPS4A). Also called: Mitochondrial DNA Depletion Syndrome 4A; ALPERS PROGRESSIVE INFANTILE POLIODYSTROPHY; NEURONAL DEGENERATION OF CHILDHOOD WITH LIVER DISEASE, PROGRESSIVE; Mitochondrial DNA depletion syndrome 4A (Alpers type); Alpers-Huttenlocher Syndrome (AHS); Alpers Syndrome. Identifiers: Orphanet 726, MedGen C0205710, MONDO:0008758, OMIM 203700.

Submission:

Labcorp Genetics (formerly Invitae), Labcorp
Classification: Uncertain significance for Progressive sclerosing poliodystrophy. Last evaluated: 2023-06-29. Review status: criteria provided, single submitter. Criteria: Invitae Variant Classification Sherloc (09022015). Collection method: clinical testing. Allele origin: germline.
Comment: In summary, the available evidence is currently insufficient to determine the role of this variant in disease. Therefore, it has been classified as a Variant of Uncertain Significance. Experimental studies and prediction algorithms are not available or were not evaluated, and the functional significance of this variant is currently unknown. This variant has not been reported in the literature in individuals affected with POLG-related conditions. This variant is not present in population databases (gnomAD no frequency). This variant, c.1381_1383del, results in the deletion of 1 amino acid(s) of the POLG protein (p.Lys461del), but otherwise preserves the integrity of the reading frame.

NM_002693.3(POLG):c.1378AAG[1] (p.Lys461del)

Gene: POLG (DNA polymerase gamma, catalytic subunit; minus strand). Cytogenetic location: 15q26.1.
Variant type: Microsatellite.
Coding change: c.1378AAG[1] on transcript NM_002693.3 (MANE Select); one copy of the 3-base unit AAG starting at c.1378; the reference has two copies in a row; one copy, 3 bases deleted.
Protein change: p.Lys461del; deletes lysine 461.
Molecular consequence: inframe deletion.
Genome position (GRCh38, 1-based): chr15:89,327,217-89,327,219, CTT deleted on the plus strand (AAG on the coding strand, the reverse complement: POLG is on the minus strand); deleting any 3 consecutive bases within chr15:89,327,217-89,327,223 gives the same sequence; the position shown is the placement nearest the transcript's 3' end. VCF-style (leftmost placement, unchanged base first): chr15-89327216-ACTT-A. GRCh37 (hg19) VCF-style: chr15-89870447-ACTT-A.
Other names: c.1378AAG[1], p.Lys461del (NM_001126131.2); short protein forms K461del.
Identifiers: ClinVar variation 1966589 (VCV001966589.5), dbSNP rs2509256032, ClinGen allele CA2575828843.
Genomic context (GRCh38, chr15:89,327,216, plus strand): 5'-GGCCTGGCTACCTCTCTCCTGAGAGCAGCTGGCAGGCATCATTGGCCAGATCCATCAACG[ACTT>A]CTTCATCTCCCGCTGGAGCTCCTCATAAGTGCCCTGTGCCTCTGCCAGGTAACGCTCCCA-3'